The following is an entry in ClinVar:

ClinVar aggregate classification (germline): Uncertain significance. Review status: criteria provided, multiple submitters, no conflicts (2 of 4 stars). 2 submissions from 2 submitters: Uncertain significance (2). Last evaluated 2025-10-21.

Conditions:
Cataract 39 multiple types. Also called: Cataract 39, multiple types, autosomal dominant. Identifiers: Orphanet 91492, MedGen C3808800, MONDO:0014075, OMIM 615188.

Allele frequency attached by ClinVar (database versions not stated): gnomAD exomes 0.00002; ExAC 0.00006; gnomAD 0.00012; TOPMed 0.00012; 1000 Genomes Project 0.00020; ESP Exome Variant Server 0.00023; 1000 Genomes Project 30x 0.00031.
gnomAD v4.1: 41 of 1,614,208 alleles (0.0025%); highest among the groups gnomAD compares: African/African-American, 0.055%; no homozygotes.

Submissions (2):

Labcorp Genetics (formerly Invitae), Labcorp
Classification: Uncertain significance for Cataract 39 multiple types. Last evaluated: 2025-10-21. Review status: criteria provided, single submitter. Criteria: Invitae Variant Classification Sherloc (09022015). Collection method: clinical testing. Allele origin: germline.
Comment: This sequence change replaces serine, which is neutral and polar, with asparagine, which is neutral and polar, at codon 16 of the CRYGB protein (p.Ser16Asn). This variant is present in population databases (rs200994344, gnomAD 0.06%), and has an allele count higher than expected for a pathogenic variant. This variant has not been reported in the literature in individuals affected with CRYGB-related conditions. ClinVar contains an entry for this variant (Variation ID: 2592341). An algorithm developed to predict the effect of missense changes on protein structure and function (PolyPhen-2) suggests that this variant is likely to be tolerated. In summary, the available evidence is currently insufficient to determine the role of this variant in disease. Therefore, it has been classified as a Variant of Uncertain Significance.

Ambry Genetics
Classification: Uncertain significance. Last evaluated: 2023-06-22. Review status: criteria provided, single submitter. Criteria: Ambry Variant Classification Scheme 2023. Collection method: clinical testing. Allele origin: germline.

NM_005210.4(CRYGB):c.47G>A (p.Ser16Asn)

Genes: CRYGB (crystallin gamma B; minus strand), LOC100507443 (uncharacterized LOC100507443; plus strand). Cytogenetic location: 2q33.3.
Variant type: single nucleotide variant.
Coding change: c.47G>A on transcript NM_005210.4 (MANE Select); coding-DNA position 47, G replaced by A.
Protein change: p.Ser16Asn; replaces serine 16 with asparagine.
Molecular consequence: missense variant.
Genome position (GRCh38, 1-based): chr2:208,145,979, C>T on the plus strand (G>A on the coding strand, the complement: CRYGB is on the minus strand). VCF-style: chr2-208145979-C-T. GRCh37 (hg19) VCF-style: chr2-209010703-C-T.
Other names: short protein forms S16N.
Identifiers: ClinVar variation 2592341 (VCV002592341.3), dbSNP rs200994344, ClinGen allele CA2078172.